The following is an entry in ClinVar:

NC_000008.10:g.96582049_96803789del

Variant type: Deletion.
Other names: seq[GRCh37] del(8)(q22.1(96,582,048)::q22.1(96,803,789)).
Identifiers: ClinVar variation 3250367 (VCV003250367.1).

ClinVar aggregate classification (germline): Pathogenic (0 of 4 stars; one submission).

Conditions:
Hearing loss, autosomal recessive 118, with cochlear aplasia. Also called: Deafness, autosomal recessive 118, with cochlear aplasia. Identifiers: MedGen C5561996, MONDO:0030449, OMIM 619553.

Submission:

ClinVar Staff, National Center for Biotechnology Information (NCBI)
Classification: Pathogenic for Hearing loss, autosomal recessive 118, with cochlear aplasia. Review status: no assertion criteria provided. Collection method: literature only. Allele origin: germline. Inheritance: Autosomal recessive inheritance. Affected: yes. Observed: 7 variant alleles, 5 heterozygotes, 2 homozygotes.
Comment: There were 2 affected first cousins in a Turkish family with consanguinity (family 1) "In this study we show that homozygous deletions removing putative enhancers of GDF6 lead to nonsyndromic HL associated with cochlear aplasia" (Bademci et al. , 2020; PubMed 32369452).

Literature cited by the submitters: PubMed 32369452.